The following is an entry in ClinVar:

NM_000642.3(AGL):c.775T>C (p.Cys259Arg)

Gene: AGL (amylo-alpha-1,6-glucosidase and 4-alpha-glucanotransferase; plus strand). Cytogenetic location: 1p21.2.
Variant type: single nucleotide variant.
Coding change: c.775T>C on transcript NM_000642.3 (MANE Select); coding-DNA position 775, T replaced by C.
Protein change: p.Cys259Arg; replaces cysteine 259 with arginine.
Molecular consequence: missense variant.
Genome position (GRCh38, 1-based): chr1:99,870,510, T>C. VCF-style: chr1-99870510-T-C. GRCh37 (hg19) VCF-style: chr1-100336066-T-C.
Other names: c.775T>C, p.Cys259Arg (NM_000028.3, NM_000643.3, NM_000644.3 and 3 more transcripts); c.727T>C, p.Cys243Arg (NM_000646.3); c.571T>C, p.Cys191Arg (NM_001425328.1, NM_001425329.1); c.397T>C, p.Cys133Arg (NM_001425332.1); short protein forms C243R, C259R, C133R, C191R.
Identifiers: ClinVar variation 948366 (VCV000948366.6), dbSNP rs891527554, ClinGen allele CA27568771.

ClinVar aggregate classification (germline): Uncertain significance (1 of 4 stars; one submission).

Conditions:
Glycogen storage disease type III (GSD3). Also called: Cori disease; FORBES DISEASE. Identifiers: Orphanet 366, MedGen C0017922, MONDO:0009291, OMIM 232400.

Allele frequency attached by ClinVar (database versions not stated): gnomAD 0.00001; gnomAD exomes 0.00001; TOPMed 0.00002.
gnomAD v4.1: 1 of 1,613,962 alleles (0.000062%); highest among the groups gnomAD compares: Non-Finnish European, 0.000085%; no homozygotes.

Submission:

Labcorp Genetics (formerly Invitae), Labcorp
Classification: Uncertain significance for Glycogen storage disease type III. Last evaluated: 2021-08-24. Review status: criteria provided, single submitter. Criteria: Invitae Variant Classification Sherloc (09022015). Collection method: clinical testing. Allele origin: germline.
Comment: This sequence change replaces cysteine with arginine at codon 259 of the AGL protein (p.Cys259Arg). The cysteine residue is weakly conserved and there is a large physicochemical difference between cysteine and arginine. This variant is not present in population databases (ExAC no frequency). This variant has not been reported in the literature in individuals affected with AGL-related conditions. Algorithms developed to predict the effect of missense changes on protein structure and function (SIFT, PolyPhen-2, Align-GVGD) all suggest that this variant is likely to be tolerated. In summary, the available evidence is currently insufficient to determine the role of this variant in disease. Therefore, it has been classified as a Variant of Uncertain Significance.